The following is an entry in ClinVar:

ClinVar aggregate classification (germline): Likely benign (1 of 4 stars; one submission).

Conditions:
PLXNA3-related disorder. Also called: PLXNA3-related condition.

gnomAD v4.1: 16 of 1,206,605 alleles (0.0013%); highest among the groups gnomAD compares: Non-Finnish European, 0.0018%; no homozygotes.

Submission:

PreventionGenetics, part of Exact Sciences
Classification: Likely benign for PLXNA3-related condition. Last evaluated: 2025-07-23. Review status: criteria provided, single submitter. Criteria: ACMG Guidelines, 2015. Collection method: clinical testing. Allele origin: germline.
Comment: This variant is classified as likely benign based on ACMG/AMP sequence variant interpretation guidelines (Richards et al. 2015 PMID: 25741868, with internal and published modifications).

NM_017514.5(PLXNA3):c.2342-4G>C

Gene: PLXNA3 (plexin A3; plus strand). Cytogenetic location: Xq28.
Variant type: single nucleotide variant.
Coding change: c.2342-4G>C on transcript NM_017514.5 (MANE Select); 4 bases into the intron before coding-DNA position 2342, G replaced by C.
Molecular consequence: intron variant.
Genome position (GRCh38, 1-based): chrX:154,465,653, G>C. VCF-style: chrX-154465653-G-C. GRCh37 (hg19) VCF-style: chrX-153693996-G-C.
Identifiers: ClinVar variation 5000629 (VCV005000629.1).